The following is an entry in ClinVar:

ClinVar aggregate classification (germline): Uncertain significance (1 of 4 stars; one submission).

Conditions:
Congenital sensory neuropathy with selective loss of small myelinated fibers (HSAN5). Also called: HSAN Type V. Identifiers: Orphanet 64752, MedGen C0020075, MONDO:0012092, OMIM 608654.

Submission:

Labcorp Genetics (formerly Invitae), Labcorp
Classification: Uncertain significance for Congenital sensory neuropathy with selective loss of small myelinated fibers. Last evaluated: 2022-06-16. Review status: criteria provided, single submitter. Criteria: Invitae Variant Classification Sherloc (09022015). Collection method: clinical testing. Allele origin: germline.
Comment: In summary, the available evidence is currently insufficient to determine the role of this variant in disease. Therefore, it has been classified as a Variant of Uncertain Significance. Algorithms developed to predict the effect of missense changes on protein structure and function output the following: SIFT: "Tolerated"; PolyPhen-2: "Benign"; Align-GVGD: "Class C0". The serine amino acid residue is found in multiple mammalian species, which suggests that this missense change does not adversely affect protein function. This variant has not been reported in the literature in individuals affected with NGF-related conditions. This variant is not present in population databases (gnomAD no frequency). This sequence change replaces phenylalanine, which is neutral and non-polar, with serine, which is neutral and polar, at codon 113 of the NGF protein (p.Phe113Ser).

NM_002506.3(NGF):c.338T>C (p.Phe113Ser)

Genes: NGF-AS1 (NGF antisense RNA 1; plus strand), NGF (nerve growth factor; minus strand). Cytogenetic location: 1p13.2.
Variant type: single nucleotide variant.
Coding change: c.338T>C on transcript NM_002506.3 (MANE Select); coding-DNA position 338, T replaced by C.
Protein change: p.Phe113Ser; replaces phenylalanine 113 with serine.
Molecular consequence: missense variant.
Genome position (GRCh38, 1-based): chr1:115,286,458, A>G on the plus strand (T>C on the coding strand, the complement: NGF is on the minus strand). VCF-style: chr1-115286458-A-G. GRCh37 (hg19) VCF-style: chr1-115829079-A-G.
Other names: short protein forms F113S.
Identifiers: ClinVar variation 2118913 (VCV002118913.4), dbSNP rs2525330638, ClinGen allele CA341836773.